The following is an entry in ClinVar:

NM_015272.5(RPGRIP1L):c.2839C>T (p.Leu947Phe)

Gene: RPGRIP1L (RPGRIP1 like; minus strand). Cytogenetic location: 16q12.2.
Variant type: single nucleotide variant.
Coding change: c.2839C>T on transcript NM_015272.5 (MANE Select); coding-DNA position 2839, C replaced by T.
Protein change: p.Leu947Phe; replaces leucine 947 with phenylalanine.
Molecular consequence: missense variant.
Genome position (GRCh38, 1-based): chr16:53,641,320, G>A on the plus strand (C>T on the coding strand, the complement: RPGRIP1L is on the minus strand). VCF-style: chr16-53641320-G-A. GRCh37 (hg19) VCF-style: chr16-53675232-G-A.
Other names: c.2839C>T, p.Leu947Phe (NM_001127897.4, NM_001308334.3, NM_001330538.2); c.2839C>T (NM_015272.4, NM_015272.2); short protein forms L947F.
Identifiers: ClinVar variation 991014 (VCV000991014.7), dbSNP rs576417383, ClinGen allele CA8057451.

ClinVar aggregate classification (germline): Uncertain significance. Review status: criteria provided, multiple submitters, no conflicts (2 of 4 stars). 5 submissions from 5 submitters: Uncertain significance (4). 1 of the submissions does not count toward it. Last evaluated 2026-06-05.

Conditions:
RPGRIP1L-related disorder. Also called: RPGRIP1L-related condition; RPGRIP1L-related disorders. Identifiers: MedGen CN239416.
Meckel-Gruber syndrome. Also called: GRUBER SYNDROME; Dysencephalia splachnocystica; DYSENCEPHALIA SPLANCHNOCYSTICA. Identifiers: Orphanet 564, MedGen C0265215, MONDO:0018921.
Joubert syndrome. Also called: Familial aplasia of the vermis; JOUBERT-BOLTSHAUSER SYNDROME. Identifiers: Orphanet 475, MedGen C5979921, MONDO:0018772.
Inborn genetic diseases. Identifiers: MedGen C0950123, MeSH D030342.
Joubert syndrome 7 (JBTS7). Identifiers: Orphanet 220497, MedGen C1969053, MONDO:0012694, OMIM 611560.
Meckel syndrome, type 5 (MKS5). Identifiers: Orphanet 564, MedGen C1969052, MONDO:0012695, OMIM 611561.
COACH syndrome 3. Identifiers: MedGen C5436841, MONDO:0030862, OMIM 619113.

Allele frequency attached by ClinVar (database versions not stated): gnomAD below 0.00001 and 0.00002; TOPMed below 0.00001; ExAC 0.00002; gnomAD exomes 0.00002; 1000 Genomes Project 30x 0.00016; 1000 Genomes Project 0.00020.
gnomAD v4.1: 15 of 1,614,048 alleles (0.00093%); highest among the groups gnomAD compares: Middle Eastern, 0.017%; no homozygotes.

Submissions (5):

PreventionGenetics, part of Exact Sciences
Classification: Uncertain significance for RPGRIP1L-related condition. Last evaluated: 2026-06-05. Review status: criteria provided, single submitter. Criteria: ACMG Guidelines, 2015. Collection method: clinical testing. Allele origin: germline.
Comment: The RPGRIP1L c.2839C>T variant is predicted to result in the amino acid substitution p.Leu947Phe. To our knowledge, this variant has not been reported in the literature. This variant is reported in 0.013% of alleles in individuals of South Asian descent in gnomAD. At this time, the clinical significance of this variant is uncertain due to the absence of conclusive functional and genetic evidence.

Ambry Genetics
Classification: Uncertain significance for Inborn genetic diseases. Last evaluated: 2025-04-12. Review status: criteria provided, single submitter. Criteria: Ambry Variant Classification Scheme 2023. Collection method: clinical testing. Allele origin: germline.

Labcorp Genetics (formerly Invitae), Labcorp
Classification: Uncertain significance for Joubert syndrome; Meckel-Gruber syndrome. Last evaluated: 2021-09-01. Review status: criteria provided, single submitter. Criteria: Invitae Variant Classification Sherloc (09022015). Collection method: clinical testing. Allele origin: germline.
Comment: This sequence change replaces leucine with phenylalanine at codon 947 of the RPGRIP1L protein (p.Leu947Phe). The leucine residue is moderately conserved and there is a small physicochemical difference between leucine and phenylalanine. This variant is present in population databases (rs576417383, ExAC 0.01%). This variant has not been reported in the literature in individuals affected with RPGRIP1L-related conditions. Algorithms developed to predict the effect of missense changes on protein structure and function are either unavailable or do not agree on the potential impact of this missense change (SIFT: "Tolerated"; PolyPhen-2: "Possibly Damaging"; Align-GVGD: "Class C0"). In summary, the available evidence is currently insufficient to determine the role of this variant in disease. Therefore, it has been classified as a Variant of Uncertain Significance.

Fulgent Genetics
Classification: Uncertain significance for Joubert syndrome 7; Meckel syndrome, type 5; COACH syndrome 3. Last evaluated: 2021-08-02. Review status: criteria provided, single submitter. Criteria: ACMG Guidelines, 2015. Collection method: clinical testing. Allele origin: unknown.

Natera, Inc.
Classification: Uncertain significance for Joubert syndrome. Last evaluated: 2020-04-24. Review status: no assertion criteria provided. Collection method: clinical testing. Allele origin: germline. Not counted in ClinVar's aggregate classification.